The following is an entry in ClinVar:

ClinVar aggregate classification (germline): Uncertain significance (1 of 4 stars; one submission).

Conditions:
Cardiovascular phenotype. Identifiers: MedGen CN230736.

Submission:

Ambry Genetics
Classification: Uncertain significance for Cardiovascular phenotype. Last evaluated: 2022-03-08. Review status: criteria provided, single submitter. Criteria: Ambry Variant Classification Scheme 2023. Collection method: clinical testing. Allele origin: germline.
Comment: The p.I2103F variant (also known as c.6307A>T), located in coding exon 26 of the AKAP9 gene, results from an A to T substitution at nucleotide position 6307. The isoleucine at codon 2103 is replaced by phenylalanine, an amino acid with highly similar properties. This amino acid position is conserved. In addition, this alteration is predicted to be tolerated by in silico analysis. Since supporting evidence is limited at this time, the clinical significance of this alteration remains unclear.

NM_005751.5(AKAP9):c.6307A>T (p.Ile2103Phe)

Gene: AKAP9 (A-kinase anchoring protein 9; plus strand). Cytogenetic location: 7q21.2.
Variant type: single nucleotide variant.
Coding change: c.6307A>T on transcript NM_005751.5 (MANE Select); coding-DNA position 6307, A replaced by T.
Protein change: p.Ile2103Phe; replaces isoleucine 2103 with phenylalanine.
Molecular consequence: missense variant.
Genome position (GRCh38, 1-based): chr7:92,066,523, A>T. VCF-style: chr7-92066523-A-T. GRCh37 (hg19) VCF-style: chr7-91695837-A-T.
Other names: c.952A>T, p.Ile318Phe (NM_001379277.1); c.6307A>T, p.Ile2103Phe (NM_147185.3); short protein forms I2103F, I318F.
Identifiers: ClinVar variation 1752756 (VCV001752756.2), dbSNP rs186058479, ClinGen allele CA368133386.